The following is an entry in ClinVar:

NM_177438.3(DICER1):c.517G>C (p.Val173Leu)

Gene: DICER1 (dicer 1, ribonuclease III; minus strand). Cytogenetic location: 14q32.13.
Variant type: single nucleotide variant.
Coding change: c.517G>C on transcript NM_177438.3 (MANE Select); coding-DNA position 517, G replaced by C.
Protein change: p.Val173Leu; replaces valine 173 with leucine.
Molecular consequence: missense variant. On other transcripts: 5 prime UTR variant (1), non-coding transcript variant (6), intron variant (1).
Genome position (GRCh38, 1-based): chr14:95,130,114, C>G on the plus strand (G>C on the coding strand, the complement: DICER1 is on the minus strand). VCF-style: chr14-95130114-C-G. GRCh37 (hg19) VCF-style: chr14-95596451-C-G.
Other names: c.112G>C, p.Val38Leu (NM_001395696.1, NM_001395698.1, NM_001395687.1 and 3 more transcripts); c.-1052G>C (NM_001395697.1); c.517G>C, p.Val173Leu (NM_001395699.1, NM_001395700.1, NM_030621.4 and 14 more transcripts); c.-20-31G>C (NM_001395691.1); c.235G>C, p.Val79Leu (NM_001395686.1); short protein forms V79L, V173L, V38L.
Identifiers: ClinVar variation 3649772 (VCV003649772.2).

ClinVar aggregate classification (germline): Uncertain significance (1 of 4 stars; one submission).

Conditions:
DICER1-related tumor predisposition. Also called: DICER1 syndrome; DICER1-related pleuropulmonary blastoma cancer predisposition syndrome. Identifiers: Orphanet 284343, MedGen C3839822, MONDO:0100216.

Submission:

Labcorp Genetics (formerly Invitae), Labcorp
Classification: Uncertain significance for DICER1-related tumor predisposition. Last evaluated: 2024-04-13. Review status: criteria provided, single submitter. Criteria: Invitae Variant Classification Sherloc (09022015). Collection method: clinical testing. Allele origin: germline.
Comment: This sequence change replaces valine, which is neutral and non-polar, with leucine, which is neutral and non-polar, at codon 173 of the DICER1 protein (p.Val173Leu). This variant is not present in population databases (gnomAD no frequency). This variant has not been reported in the literature in individuals affected with DICER1-related conditions. Advanced modeling of protein sequence and biophysical properties (such as structural, functional, and spatial information, amino acid conservation, physicochemical variation, residue mobility, and thermodynamic stability) performed at Invitae indicates that this missense variant is not expected to disrupt DICER1 protein function with a negative predictive value of 80%. In summary, the available evidence is currently insufficient to determine the role of this variant in disease. Therefore, it has been classified as a Variant of Uncertain Significance.